The following is an entry in ClinVar:

NM_001242.5(CD27):c.479del (p.Met160fs)

Genes: CD27-AS1 (CD27 antisense RNA 1; minus strand), CD27 (CD27 molecule; plus strand). Cytogenetic location: 12p13.31.
Variant type: Deletion.
Coding change: c.479del on transcript NM_001242.5 (MANE Select); coding-DNA position 479, one base deleted (T; older notation c.479delT).
Protein change: p.Met160fs; shifts the reading frame from methionine 160.
Molecular consequence: frameshift variant. On other transcripts: non-coding transcript variant (5).
Genome position (GRCh38, 1-based): chr12:6,450,571, T deleted. VCF-style (leftmost placement, unchanged base first): chr12-6450570-AT-A. GRCh37 (hg19) VCF-style: chr12-6559736-AT-A.
Other names: c.572del, p.Met191fs (NM_001413263.1); c.452del, p.Met151fs (NM_001413264.1); c.299del, p.Met100fs (NM_001413265.1); c.29del, p.Met10fs (NM_001413266.1, NM_001413267.1, NM_001413268.1); short protein forms M100fs, M10fs, M160fs, M191fs, M151fs.
Identifiers: ClinVar variation 2825285 (VCV002825285.3), dbSNP rs2498141484, ClinGen allele CA2739271825.

ClinVar aggregate classification (germline): Pathogenic (1 of 4 stars; one submission).

Conditions:
Lymphoproliferative syndrome 2 (LPFS2). Also called: CD27 DEFICIENCY; Combined immunodeficiency due to CD27 deficiency. Identifiers: Orphanet 238505, MedGen C3554540, MONDO:0014054, OMIM 615122.

Submission:

Labcorp Genetics (formerly Invitae), Labcorp
Classification: Pathogenic for Lymphoproliferative syndrome 2. Last evaluated: 2025-10-15. Review status: criteria provided, single submitter. Criteria: Invitae Variant Classification Sherloc (09022015). Collection method: clinical testing. Allele origin: germline.
Comment: This sequence change creates a premature translational stop signal (p.Met160Serfs*35) in the CD27 gene. It is expected to result in an absent or disrupted protein product. Loss-of-function variants in CD27 are known to be pathogenic (PMID: 25843314). This variant is not present in population databases (gnomAD no frequency). This variant has not been reported in the literature in individuals affected with CD27-related conditions. ClinVar contains an entry for this variant (Variation ID: 2825285). For these reasons, this variant has been classified as Pathogenic.

Literature cited by the submitters: PubMed 25843314.